The following is an entry in ClinVar:

ClinVar aggregate classification (germline): Pathogenic. Review status: criteria provided, multiple submitters, no conflicts (2 of 4 stars). 2 submissions from 2 submitters: Pathogenic (2). Last evaluated 2026-04-12.

Conditions:
Actin accumulation myopathy (CMYO2A). Also called: CONGENITAL MYOPATHY 2A, TYPICAL, AUTOSOMAL DOMINANT; Nemaline myopathy type 3; Myopathy, actin, congenital, with excess of thin myofilaments; Myopathy, actin, congenital, with cores; Nemaline myopathy 3, with intranuclear rods. Identifiers: Orphanet 98904, MedGen C3711389, MONDO:0008070, OMIM 161800.

Allele frequency attached by ClinVar (database versions not stated): gnomAD exomes 0.00001 and 0.00002; ExAC 0.00003.

Submissions (2):

GeneDx
Classification: Pathogenic. Last evaluated: 2026-04-12. Review status: criteria provided, single submitter. Criteria: GeneDx Variant Classification Process June 2021. Collection method: clinical testing. Allele origin: germline.
Comment: Frameshift variant predicted to result in protein truncation or nonsense mediated decay in a gene for which loss of function is a known mechanism of disease; Not observed at significant frequency in large population cohorts (gnomAD); Has not been previously published as pathogenic or benign to our knowledge

Labcorp Genetics (formerly Invitae), Labcorp
Classification: Pathogenic for Actin accumulation myopathy. Last evaluated: 2024-08-03. Review status: criteria provided, single submitter. Criteria: Invitae Variant Classification Sherloc (09022015). Collection method: clinical testing. Allele origin: germline.
Comment: This sequence change creates a premature translational stop signal (p.Pro29Serfs*2) in the ACTA1 gene. It is expected to result in an absent or disrupted protein product. Loss-of-function variants in ACTA1 are known to be pathogenic (PMID: 19562689). This variant is present in population databases (rs753923758, gnomAD 0.01%). This variant has not been reported in the literature in individuals affected with ACTA1-related conditions. ClinVar contains an entry for this variant (Variation ID: 464132). For these reasons, this variant has been classified as Pathogenic.

Literature cited by the submitters: PubMed 19562689 (cited by Labcorp Genetics (formerly Invitae), Labcorp).

NM_001100.4(ACTA1):c.84_85insT (p.Pro29fs)

Gene: ACTA1 (actin alpha 1, skeletal muscle; minus strand). Cytogenetic location: 1q42.13.
Variant type: Insertion.
Coding change: c.84_85insT on transcript NM_001100.4 (MANE Select); coding-DNA positions 84 to 85, T inserted.
Protein change: p.Pro29fs; shifts the reading frame from proline 29.
Molecular consequence: frameshift variant.
Genome position: GRCh38 VCF-style: chr1-229433031-G-GA. GRCh37 (hg19) VCF-style: chr1-229568778-G-GA.
Other names: short protein forms P29fs.
Identifiers: ClinVar variation 464132 (VCV000464132.9), dbSNP rs753923758, ClinGen allele CA1442940.